The following is an entry in ClinVar:

ClinVar aggregate classification (germline): Likely pathogenic (1 of 4 stars; one submission).

Conditions:
Pseudo-Hurler polydystrophy. Also called: ML III; ML III ALPHA/BETA; Type III Mucolipidosis; ML IIIA; Mucolipidosis III Alpha/Beta; MUCOLIPIDOSIS IIIA. Identifiers: Orphanet 423461, Orphanet 577, MedGen C0033788, MONDO:0018931, OMIM 252600.
Mucolipidosis type II. Also called: ML II ALPHA/BETA; Mucolipidosis 2; ML 2; Inclusion cell disease; Leroy Disease; N-acetylglucosamine 1phosphotransferase deficiency. Identifiers: Orphanet 576, MedGen C2673377, MONDO:0009650, OMIM 252500.

Submission:

Labcorp Genetics (formerly Invitae), Labcorp
Classification: Likely pathogenic for Pseudo-Hurler polydystrophy; Mucolipidosis type II. Last evaluated: 2020-11-21. Review status: criteria provided, single submitter. Criteria: Invitae Variant Classification Sherloc (09022015). Collection method: clinical testing. Allele origin: germline.
Comment: In summary, the currently available evidence indicates that the variant is pathogenic, but additional data are needed to prove that conclusively. Therefore, this variant has been classified as Likely Pathogenic. Algorithms developed to predict the effect of sequence changes on RNA splicing suggest that this variant may disrupt the consensus splice site, but this prediction has not been confirmed by published transcriptional studies. This variant has not been reported in the literature in individuals with GNPTAB-related conditions. This variant is not present in population databases (ExAC no frequency). This sequence change affects an acceptor splice site in intron 7 of the GNPTAB gene. It is expected to disrupt RNA splicing. Variants that disrupt the donor or acceptor splice site typically lead to a loss of protein function (PMID: 16199547), and loss-of-function variants in GNPTAB are known to be pathogenic (PMID: 19617216, 25107912).

Literature cited by the submitters: PubMed 16199547; PubMed 19617216; PubMed 25107912.

NM_024312.5(GNPTAB):c.772-1G>C

Gene: GNPTAB (N-acetylglucosamine-1-phosphate transferase subunits alpha and beta; minus strand). Cytogenetic location: 12q23.2.
Variant type: single nucleotide variant.
Coding change: c.772-1G>C on transcript NM_024312.5 (MANE Select); the canonical splice acceptor site of the intron before coding-DNA position 772, G replaced by C.
Molecular consequence: splice acceptor variant.
Genome position (GRCh38, 1-based): chr12:101,771,158, C>G on the plus strand (G>C on the coding strand, the complement: GNPTAB is on the minus strand). VCF-style: chr12-101771158-C-G. GRCh37 (hg19) VCF-style: chr12-102164936-C-G.
Identifiers: ClinVar variation 1482450 (VCV001482450.8), dbSNP rs2137125146, ClinGen allele CA386303780.